The following is an entry in ClinVar:

ClinVar aggregate classification (germline): Uncertain significance (1 of 4 stars; one submission).

Conditions:
Majeed syndrome (MJDS). Also called: CHRONIC RECURRENT MULTIFOCAL OSTEOMYELITIS 1, WITH CONGENITAL DYSERYTHROPOIETIC ANEMIA, WITH OR WITHOUT NEUTROPHILIC DERMATOSIS; LPIN2-Related Majeed Syndrome. Identifiers: Orphanet 77297, MedGen C1864997, MONDO:0012316, OMIM 609628.

Submission:

Labcorp Genetics (formerly Invitae), Labcorp
Classification: Uncertain significance for Majeed syndrome. Last evaluated: 2020-02-22. Review status: criteria provided, single submitter. Criteria: Invitae Variant Classification Sherloc (09022015). Collection method: clinical testing. Allele origin: germline.
Comment: This sequence change replaces serine with cysteine at codon 441 of the LPIN2 protein (p.Ser441Cys). The serine residue is highly conserved and there is a moderate physicochemical difference between serine and cysteine. This variant is not present in population databases (ExAC no frequency). This variant has not been reported in the literature in individuals with LPIN2-related conditions. Algorithms developed to predict the effect of missense changes on protein structure and function (SIFT, PolyPhen-2, Align-GVGD) all suggest that this variant is likely to be disruptive, but these predictions have not been confirmed by published functional studies and their clinical significance is uncertain. In summary, the available evidence is currently insufficient to determine the role of this variant in disease. Therefore, it has been classified as a Variant of Uncertain Significance.

NM_001375808.2(LPIN2):c.1322C>G (p.Ser441Cys)

Gene: LPIN2 (lipin 2; minus strand). Cytogenetic location: 18p11.31.
Variant type: single nucleotide variant.
Coding change: c.1322C>G on transcript NM_001375808.2 (MANE Select); coding-DNA position 1322, C replaced by G.
Protein change: p.Ser441Cys; replaces serine 441 with cysteine.
Molecular consequence: missense variant.
Genome position (GRCh38, 1-based): chr18:2,931,390, G>C on the plus strand (C>G on the coding strand, the complement: LPIN2 is on the minus strand). VCF-style: chr18-2931390-G-C. GRCh37 (hg19) VCF-style: chr18-2931388-G-C.
Other names: c.1322C>G, p.Ser441Cys (NM_001375809.1, NM_014646.2); short protein forms S441C.
Identifiers: ClinVar variation 837699 (VCV000837699.10), dbSNP rs2077211393, ClinGen allele CA401704427.